The following is an entry in ClinVar:

ClinVar aggregate classification (germline): Uncertain significance (1 of 4 stars; one submission).

Conditions:
Primary ciliary dyskinesia 6. Also called: Primary Ciliary Dyskinesia 6: TXNDC3-Related Primary Ciliary Dyskinesia. Identifiers: Orphanet 244, MedGen C1970506, MONDO:0012571, OMIM 610852.

Submission:

Labcorp Genetics (formerly Invitae), Labcorp
Classification: Uncertain significance for Primary ciliary dyskinesia 6. Last evaluated: 2022-06-03. Review status: criteria provided, single submitter. Criteria: Invitae Variant Classification Sherloc (09022015). Collection method: clinical testing. Allele origin: germline.
Comment: In summary, the available evidence is currently insufficient to determine the role of this variant in disease. Therefore, it has been classified as a Variant of Uncertain Significance. Algorithms developed to predict the effect of missense changes on protein structure and function output the following: SIFT: "Deleterious"; PolyPhen-2: "Possibly Damaging"; Align-GVGD: "Class C0". The valine amino acid residue is found in multiple mammalian species, which suggests that this missense change does not adversely affect protein function. This variant has not been reported in the literature in individuals affected with NME8-related conditions. This variant is not present in population databases (gnomAD no frequency). This sequence change replaces alanine, which is neutral and non-polar, with valine, which is neutral and non-polar, at codon 409 of the NME8 protein (p.Ala409Val).

NM_016616.5(NME8):c.1226C>T (p.Ala409Val)

Gene: NME8 (NME/NM23 family member 8; plus strand). Cytogenetic location: 7p14.1.
Variant type: single nucleotide variant.
Coding change: c.1226C>T on transcript NM_016616.5 (MANE Select); coding-DNA position 1226, C replaced by T.
Protein change: p.Ala409Val; replaces alanine 409 with valine.
Molecular consequence: missense variant.
Genome position (GRCh38, 1-based): chr7:37,885,231, C>T. VCF-style: chr7-37885231-C-T. GRCh37 (hg19) VCF-style: chr7-37924833-C-T.
Other names: short protein forms A409V.
Identifiers: ClinVar variation 1981822 (VCV001981822.4), dbSNP rs2483659647, ClinGen allele CA367216080.